The following is an entry in ClinVar:

ClinVar aggregate classification (germline): Uncertain significance (1 of 4 stars; one submission).

Conditions:
Epileptic encephalopathy. Identifiers: MedGen C0543888, HP:0200134.

Allele frequency attached by ClinVar (database versions not stated): gnomAD 0.00004; gnomAD exomes 0.00001; ExAC 0.00003; 1000 Genomes Project 30x 0.00016; 1000 Genomes Project 0.00020.

Submission:

Labcorp Genetics (formerly Invitae), Labcorp
Classification: Uncertain significance for Epileptic encephalopathy. Last evaluated: 2025-07-25. Review status: criteria provided, single submitter. Criteria: Invitae Variant Classification Sherloc (09022015). Collection method: clinical testing. Allele origin: germline.
Comment: This sequence change affects codon 42 of the FASN mRNA. It is a 'silent' change, meaning that it does not change the encoded amino acid sequence of the FASN protein. It affects a nucleotide within the consensus splice site. This variant is present in population databases (rs201369909, gnomAD 0.007%). This variant has not been reported in the literature in individuals affected with FASN-related conditions. ClinVar contains an entry for this variant (Variation ID: 2913142). Algorithms developed to predict the effect of sequence changes on RNA splicing suggest that this variant is not likely to affect RNA splicing. In summary, the available evidence is currently insufficient to determine the role of this variant in disease. Therefore, it has been classified as a Variant of Uncertain Significance.

NM_004104.5(FASN):c.126G>A (p.Ala42=)

Gene: FASN (fatty acid synthase; minus strand). Cytogenetic location: 17q25.3.
Variant type: single nucleotide variant.
Coding change: c.126G>A on transcript NM_004104.5 (MANE Select); coding-DNA position 126, G replaced by A.
Protein change: p.Ala42=; no amino-acid change (alanine 42 retained).
Molecular consequence: synonymous variant.
Genome position (GRCh38, 1-based): chr17:82,096,320, C>T on the plus strand (G>A on the coding strand, the complement: FASN is on the minus strand). VCF-style: chr17-82096320-C-T. GRCh37 (hg19) VCF-style: chr17-80054196-C-T.
Identifiers: ClinVar variation 2913142 (VCV002913142.3), dbSNP rs201369909, ClinGen allele CA8853671.
Genomic context (GRCh38, chr17:82,096,320, plus strand): 5'-GGACAAAGGTGGAGATGGAGCTTCACACCCCAGGCACGGGGAGCCCCGCAGCCACATACC[C>T]GCCTTCCAGCGACGGTCATCGTCCGTGACCATGTCCACACCGCCGATGAGGTTGTCCCAG-3'
Protein context (NP_004095.4, residues 32-52): MVTDDDRRWK[Ala42=]GLYGLPRRSG